The following is an entry in ClinVar:

ClinVar aggregate classification (germline): Uncertain significance (1 of 4 stars; one submission).

Conditions:
EP300-related disorder. Also called: EP300-related condition; EP300-related disorders.

gnomAD v4.1: 2 of 1,610,284 alleles (0.00012%); highest among the groups gnomAD compares: African/African-American, 0.0027%; no homozygotes.

Submission:

PreventionGenetics, part of Exact Sciences
Classification: Uncertain significance for EP300-related condition. Last evaluated: 2025-07-22. Review status: criteria provided, single submitter. Criteria: ACMG Guidelines, 2015. Collection method: clinical testing. Allele origin: germline.
Comment: The EP300 c.4221A>T variant is predicted to result in the amino acid substitution p.Lys1407Asn. To our knowledge, this variant has not been reported in the literature. This variant is reported in 0.012% of alleles in individuals of African descent in gnomAD. At this time, the clinical significance of this variant is uncertain due to the absence of conclusive functional and genetic evidence.

NM_001429.4(EP300):c.4221A>T (p.Lys1407Asn)

Gene: EP300 (EP300 lysine acetyltransferase; plus strand). Cytogenetic location: 22q13.2.
Variant type: single nucleotide variant.
Coding change: c.4221A>T on transcript NM_001429.4 (MANE Select); coding-DNA position 4221, A replaced by T.
Protein change: p.Lys1407Asn; replaces lysine 1407 with asparagine.
Molecular consequence: missense variant.
Genome position (GRCh38, 1-based): chr22:41,169,551, A>T. VCF-style: chr22-41169551-A-T. GRCh37 (hg19) VCF-style: chr22-41565555-A-T.
Other names: c.4143A>T, p.Lys1381Asn (NM_001362843.2); short protein forms K1381N, K1407N.
Identifiers: ClinVar variation 4978214 (VCV004978214.1).